The following is an entry in ClinVar:

NM_000059.4(BRCA2):c.1334C>A (p.Ser445Tyr)

Gene: BRCA2 (BRCA2 DNA repair associated; plus strand). Cytogenetic location: 13q13.1.
Variant type: single nucleotide variant.
Coding change: c.1334C>A on transcript NM_000059.4 (MANE Select); coding-DNA position 1334, C replaced by A.
Protein change: p.Ser445Tyr; replaces serine 445 with tyrosine.
Molecular consequence: missense variant.
Genome position (GRCh38, 1-based): chr13:32,332,812, C>A. VCF-style: chr13-32332812-C-A. GRCh37 (hg19) VCF-style: chr13-32906949-C-A.
Other names: short protein forms S445Y.
Identifiers: ClinVar variation 185685 (VCV000185685.19), dbSNP rs786202373, ClinGen allele CA011647.

ClinVar aggregate classification (germline): Conflicting classifications of pathogenicity. Review status: criteria provided, conflicting classifications (1 of 4 stars). 4 submissions from 4 submitters: Uncertain significance (2); Likely benign (2). Last evaluated 2025-05-20.

Conditions:
Hereditary cancer-predisposing syndrome. Also called: Hereditary neoplastic syndrome; Neoplastic Syndromes, Hereditary; Tumor predisposition; Hereditary Cancer Syndrome. Identifiers: Orphanet 140162, MedGen C0027672, MeSH D009386, MONDO:0015356.
Hereditary breast ovarian cancer syndrome. Also called: Hereditary breast and ovarian cancer syndrome (HBOC); Breast and ovarian cancer; Hereditary breast and/or ovarian cancer syndrome; BRCA1- and BRCA2-Associated Hereditary Breast and Ovarian Cancer; Hereditary breast and ovarian cancer syndrome; Hereditary breast and ovarian cancer. Identifiers: Orphanet 145, MedGen C0677776, MeSH D061325, MONDO:0003582. Disease mechanism: loss of function.

Allele frequency attached by ClinVar (database versions not stated): gnomAD exomes below 0.00001.
gnomAD v4.1: 2 of 1,610,828 alleles (0.00012%); highest among the groups gnomAD compares: Non-Finnish European, 0.00017%; no homozygotes.

Submissions (4):

Color Diagnostics, LLC DBA Color Health
Classification: Likely benign for Hereditary cancer-predisposing syndrome. Last evaluated: 2025-05-20. Review status: criteria provided, single submitter. Criteria: ACMG Guidelines, 2015. Collection method: clinical testing. Allele origin: germline.

Ambry Genetics
Classification: Uncertain significance for Hereditary cancer-predisposing syndrome. Last evaluated: 2023-05-20. Review status: criteria provided, single submitter. Criteria: Ambry Variant Classification Scheme 2023. Collection method: clinical testing. Allele origin: germline.
Comment: The p.S445Y variant (also known as c.1334C>A), located in coding exon 9 of the BRCA2 gene, results from a C to A substitution at nucleotide position 1334. The serine at codon 445 is replaced by tyrosine, an amino acid with dissimilar properties. This amino acid position is highly conserved in available vertebrate species. In addition, this alteration is predicted to be tolerated by in silico analysis. Since supporting evidence is limited at this time, the clinical significance of this alteration remains unclear.

University of Washington Department of Laboratory Medicine, University of Washington
Classification: Likely benign for Hereditary cancer-predisposing syndrome. Last evaluated: 2023-03-23. Review status: criteria provided, single submitter. Criteria: Dines et al. (Genet Med. 2020). Collection method: curation. Allele origin: germline.
Comment: Missense variant in a coldspot region where missense variants are very unlikely to be pathogenic (PMID:31911673).

BRCA2 exon 10 coldspot. Reclassification based on statistical prior probability.

Labcorp Genetics (formerly Invitae), Labcorp
Classification: Uncertain significance for Hereditary breast ovarian cancer syndrome. Last evaluated: 2021-04-14. Review status: criteria provided, single submitter. Criteria: Invitae Variant Classification Sherloc (09022015). Collection method: clinical testing. Allele origin: germline.
Comment: This sequence change replaces serine with tyrosine at codon 445 of the BRCA2 protein (p.Ser445Tyr). The serine residue is weakly conserved and there is a large physicochemical difference between serine and tyrosine. This variant is not present in population databases (ExAC no frequency). This variant has not been reported in the literature in individuals with BRCA2-related conditions. ClinVar contains an entry for this variant (Variation ID: 185685). In summary, the available evidence is currently insufficient to determine the role of this variant in disease. Therefore, it has been classified as a Variant of Uncertain Significance. Algorithms developed to predict the effect of missense changes on protein structure and function output the following: SIFT: "Deleterious"; PolyPhen-2: "Probably Damaging"; Align-GVGD: "Class C0". The tyrosine amino acid residue is found in multiple mammalian species, suggesting that this missense change does not adversely affect protein function. These predictions have not been confirmed by published functional studies and their clinical significance is uncertain.